The following is an entry in ClinVar:

ClinVar aggregate classification (germline): Benign/Likely benign. Review status: criteria provided, multiple submitters, no conflicts (2 of 4 stars). 3 submissions from 3 submitters: Benign (2); Likely benign (1). Last evaluated 2025-06-01.

Conditions:
Inborn genetic diseases. Identifiers: MedGen C0950123, MeSH D030342.

Allele frequency attached by ClinVar (database versions not stated): gnomAD 0.00001; TOPMed 0.00003; gnomAD exomes 0.00004 and 0.00005; ExAC 0.00006; ESP Exome Variant Server 0.00015.
gnomAD v4.1: 66 of 1,590,938 alleles (0.0041%); highest among the groups gnomAD compares: Non-Finnish European, 0.0051%; no homozygotes.

Submissions (3):

CeGaT Center for Human Genetics Tuebingen
Classification: Likely benign. Last evaluated: 2025-06-01. Review status: criteria provided, single submitter. Criteria: CeGaT Center For Human Genetics Tuebingen Variant Classification Criteria Version 2. Collection method: clinical testing. Allele origin: germline. Affected: yes. Observed: 2 variant alleles.
Comment: ARID1B: BP4, BS2

Labcorp Genetics (formerly Invitae), Labcorp
Classification: Benign. Last evaluated: 2024-10-15. Review status: criteria provided, single submitter. Criteria: Invitae Variant Classification Sherloc (09022015). Collection method: clinical testing. Allele origin: germline.

Ambry Genetics
Classification: Benign for Inborn genetic diseases. Last evaluated: 2019-11-30. Review status: criteria provided, single submitter. Criteria: Ambry Variant Classification Scheme 2023. Collection method: clinical testing. Allele origin: germline.

NM_001374828.1(ARID1B):c.4370G>A (p.Ser1457Asn)

Gene: ARID1B (AT-rich interaction domain 1B; plus strand). Cytogenetic location: 6q25.3.
Variant type: single nucleotide variant.
Coding change: c.4370G>A on transcript NM_001374828.1 (MANE Select); coding-DNA position 4370, G replaced by A.
Protein change: p.Ser1457Asn; replaces serine 1457 with asparagine.
Molecular consequence: missense variant.
Genome position (GRCh38, 1-based): chr6:157,196,303, G>A. VCF-style: chr6-157196303-G-A. GRCh37 (hg19) VCF-style: chr6-157517437-G-A.
Other names: c.4001G>A (NM_020732.3); c.1871G>A, p.Ser624Asn (NM_001363725.2); c.4250G>A, p.Ser1417Asn (NM_001371656.1, NM_001374820.1); c.4211G>A, p.Ser1404Asn (NM_017519.3); short protein forms S1404N, S1417N, S1457N, S624N.
Identifiers: ClinVar variation 1299056 (VCV001299056.42), dbSNP rs142808724, ClinGen allele CA4067601.
Genomic context (GRCh38, chr6:157,196,303, plus strand): 5'-CCTCCGGAGCAATGTCTAACCTGGGCATGGGGCAGCGCCAGCAGTTTCCCTATGGAGCCA[G>A]TTACGACCGAAGGTGAGTATTTTTTAAGATGACAATATGATGATTTACTAGAAACCGTGC-3'
Protein context (NP_001361757.1, residues 1447-1467): GQRQQFPYGA[Ser1457Asn]YDRRHEPYGQ